The following is an entry in ClinVar:

ClinVar aggregate classification (germline): Uncertain significance. Review status: criteria provided, multiple submitters, no conflicts (2 of 4 stars). 4 submissions from 4 submitters: Uncertain significance (4). Last evaluated 2026-01-04.

Conditions:
Inborn genetic diseases. Identifiers: MedGen C0950123, MeSH D030342.
Baller-Gerold syndrome (BGS). Also called: CRANIOSYNOSTOSIS WITH RADIAL DEFECTS. Identifiers: Orphanet 1225, MedGen C0265308, MONDO:0009039, OMIM 218600.

Allele frequency attached by ClinVar (database versions not stated): gnomAD exomes below 0.00001; TOPMed below 0.00001.
gnomAD v4.1: 2 of 1,612,930 alleles (0.00012%); highest among the groups gnomAD compares: Middle Eastern, 0.016%; no homozygotes.

Submissions (4):

Labcorp Genetics (formerly Invitae), Labcorp
Classification: Uncertain significance for Baller-Gerold syndrome. Last evaluated: 2026-01-04. Review status: criteria provided, single submitter. Criteria: Invitae Variant Classification Sherloc (09022015). Collection method: clinical testing. Allele origin: germline.
Comment: This sequence change replaces valine, which is neutral and non-polar, with isoleucine, which is neutral and non-polar, at codon 397 of the RECQL4 protein (p.Val397Ile). This variant is not present in population databases (gnomAD no frequency). This variant has not been reported in the literature in individuals affected with RECQL4-related conditions. ClinVar contains an entry for this variant (Variation ID: 1054478). Invitae Evidence Modeling of protein sequence and biophysical properties (such as structural, functional, and spatial information, amino acid conservation, physicochemical variation, residue mobility, and thermodynamic stability) indicates that this missense variant is not expected to disrupt RECQL4 protein function with a negative predictive value of 80%. In summary, the available evidence is currently insufficient to determine the role of this variant in disease. Therefore, it has been classified as a Variant of Uncertain Significance.

GeneDx
Classification: Uncertain significance. Last evaluated: 2025-07-30. Review status: criteria provided, single submitter. Criteria: GeneDx Variant Classification Process June 2021. Collection method: clinical testing. Allele origin: germline. Affected: yes.
Comment: Not observed at significant frequency in large population cohorts (gnomAD); In silico analysis suggests that this missense variant does not alter protein structure/function; Has not been previously published as pathogenic or benign to our knowledge

Ambry Genetics
Classification: Uncertain significance for Inborn genetic diseases. Last evaluated: 2025-01-06. Review status: criteria provided, single submitter. Criteria: Ambry Variant Classification Scheme 2023. Collection method: clinical testing. Allele origin: germline.
Comment: The p.V397I variant (also known as c.1189G>A), located in coding exon 6 of the RECQL4 gene, results from a G to A substitution at nucleotide position 1189. The valine at codon 397 is replaced by isoleucine, an amino acid with highly similar properties. This amino acid position is conserved. In addition, this alteration is predicted to be tolerated by in silico analysis. Based on the available evidence, the clinical significance of this variant remains unclear.

Blueprint Genetics
Classification: Uncertain significance. Last evaluated: 2021-07-15. Review status: criteria provided, single submitter. Criteria: ACMG Guidelines, 2015. Collection method: clinical testing. Allele origin: germline.

NM_004260.4(RECQL4):c.1189G>A (p.Val397Ile)

Gene: RECQL4 (RecQ like helicase 4; minus strand). Cytogenetic location: 8q24.3.
Variant type: single nucleotide variant.
Coding change: c.1189G>A on transcript NM_004260.4 (MANE Select); coding-DNA position 1189, G replaced by A.
Protein change: p.Val397Ile; replaces valine 397 with isoleucine.
Molecular consequence: missense variant.
Genome position (GRCh38, 1-based): chr8:144,515,833, C>T on the plus strand (G>A on the coding strand, the complement: RECQL4 is on the minus strand). VCF-style: chr8-144515833-C-T. GRCh37 (hg19) VCF-style: chr8-145741217-C-T.
Other names: c.1189G>A (NM_004260.3); short protein forms V397I.
Identifiers: ClinVar variation 1054478 (VCV001054478.10), dbSNP rs867681178, ClinGen allele CA187687987.